The following is an entry in ClinVar:

NM_018474.6(KIZ):c.316-2A>G

Gene: KIZ (kizuna centrosomal protein; plus strand). Cytogenetic location: 20p11.23.
Variant type: single nucleotide variant.
Coding change: c.316-2A>G on transcript NM_018474.6 (MANE Select); the canonical splice acceptor site of the intron before coding-DNA position 316, A replaced by G.
Molecular consequence: splice acceptor variant. On other transcripts: intron variant (1).
Genome position (GRCh38, 1-based): chr20:21,145,563, A>G. VCF-style: chr20-21145563-A-G. GRCh37 (hg19) VCF-style: chr20-21126204-A-G.
Other names: c.169-2A>G (NM_001276389.2); c.-27-2A>G (NM_001352436.2); c.316-2A>G (NM_001352434.2); c.7-2A>G (NM_001163022.3, NM_001352435.2); c.6+13404A>G (NM_001163023.3).
Identifiers: ClinVar variation 2037503 (VCV002037503.4), dbSNP rs1190041303, ClinGen allele CA408488691.

ClinVar aggregate classification (germline): Likely pathogenic (1 of 4 stars; one submission).

Allele frequency attached by ClinVar (database versions not stated): TOPMed below 0.00001; gnomAD exomes 0.00001.
gnomAD v4.1: 7 of 1,445,440 alleles (0.00048%); highest among the groups gnomAD compares: Non-Finnish European, 0.00066%; no homozygotes.

Submission:

Labcorp Genetics (formerly Invitae), Labcorp
Classification: Likely pathogenic. Last evaluated: 2026-01-12. Review status: criteria provided, single submitter. Criteria: Invitae Variant Classification Sherloc (09022015). Collection method: clinical testing. Allele origin: germline.
Comment: This sequence change affects an acceptor splice site in intron 3 of the KIZ gene. It is expected to disrupt RNA splicing. Variants that disrupt the donor or acceptor splice site typically lead to a loss of protein function (PMID: 16199547), and loss-of-function variants in KIZ are known to be pathogenic (PMID: 24680887, 29057815). The frequency data for this variant in the population databases is considered unreliable, as metrics indicate poor data quality at this position in the gnomAD database. This variant has not been reported in the literature in individuals affected with KIZ-related conditions. ClinVar contains an entry for this variant (Variation ID: 2037503). Algorithms developed to predict the effect of sequence changes on RNA splicing suggest that this variant may disrupt the consensus splice site. In summary, the currently available evidence indicates that the variant is pathogenic, but additional data are needed to prove that conclusively. Therefore, this variant has been classified as Likely Pathogenic.

Literature cited by the submitters: PubMed 16199547; PubMed 24680887; PubMed 29057815.